The following is an entry in ClinVar:

NM_004423.4(DVL3):c.562del (p.Ser188fs)

Gene: DVL3 (dishevelled segment polarity protein 3; plus strand). Cytogenetic location: 3q27.1.
Variant type: Deletion.
Coding change: c.562del on transcript NM_004423.4 (MANE Select); coding-DNA position 562, one base deleted (A; older notation c.562delA).
Protein change: p.Ser188fs; shifts the reading frame from serine 188.
Molecular consequence: frameshift variant.
Genome position (GRCh38, 1-based): chr3:184,164,894, A deleted. VCF-style (leftmost placement, unchanged base first): chr3-184164893-CA-C. GRCh37 (hg19) VCF-style: chr3-183882681-CA-C.
Other names: short protein forms S188fs.
Identifiers: ClinVar variation 1707810 (VCV001707810.2), dbSNP rs2473698322, ClinGen allele CA2580070471.

ClinVar aggregate classification (germline): Uncertain significance (1 of 4 stars; one submission).

Submission:

GeneDx
Classification: Uncertain significance. Last evaluated: 2022-03-29. Review status: criteria provided, single submitter. Criteria: GeneDx Variant Classification Process June 2021. Collection method: clinical testing. Allele origin: germline. Affected: yes.
Comment: Not observed at significant frequency in large population cohorts (gnomAD); Frameshift variant predicted to result in protein truncation or nonsense mediated decay in a gene or region of a gene for which loss of function is not a well-established mechanism of disease; Has not been previously published as pathogenic or benign to our knowledge